The following is an entry in ClinVar:

NM_001365536.1(SCN9A):c.4504-27_4504-2dup

Genes: SCN9A (sodium voltage-gated channel alpha subunit 9; minus strand), SCN1A-AS1 (SCN1A and SCN9A antisense RNA 1; plus strand). Cytogenetic location: 2q24.3.
Variant type: Duplication.
Coding change: c.4504-27_4504-2dup on transcript NM_001365536.1 (MANE Select); 27 bases into the intron before coding-DNA position 4504 through the canonical splice acceptor site of the intron before coding-DNA position 4504, 26 bases duplicated (TTCGATATTATTCTTATTTCTTTGCA).
Molecular consequence: splice acceptor variant.
Genome position (GRCh38, 1-based): chr2:166,204,227-166,204,252, TGCAAAGAAATAAGAATAATATCGAA duplicated on the plus strand (TTCGATATTATTCTTATTTCTTTGCA on the coding strand, the reverse complement: SCN9A is on the minus strand); duplicating any 26 consecutive bases within chr2:166,204,227-166,204,256 gives the same sequence; the c. name uses the placement nearest the transcript's 3' end. VCF-style (leftmost placement, unchanged base first): chr2-166204226-C-CTGCAAAGAAATAAGAATAATATCGAA. GRCh37 (hg19) VCF-style: chr2-167060736-C-CTGCAAAGAAATAAGAATAATATCGAA.
Other names: c.4471-27_4471-2dup (NM_002977.4).
Identifiers: ClinVar variation 2948522 (VCV002948522.3), dbSNP rs2468896240, ClinGen allele CA2740095844.

ClinVar aggregate classification (germline): Uncertain significance (1 of 4 stars; one submission).

Conditions:
Neuropathy, hereditary sensory and autonomic, type 2A (HSAN2A). Also called: ACROOSTEOLYSIS, GIACCAI TYPE; ACROOSTEOLYSIS, NEUROGENIC; MORVAN DISEASE; NEUROPATHY, CONGENITAL SENSORY; NEUROPATHY, HEREDITARY SENSORY RADICULAR, AUTOSOMAL RECESSIVE; NEUROPATHY, HEREDITARY SENSORY, TYPE IIA. Identifiers: Orphanet 970, MedGen C2752089, MONDO:0024309, OMIM 201300.
Generalized epilepsy with febrile seizures plus, type 7 (GEFSP7). Also called: GEFS+, TYPE 7. Identifiers: Orphanet 36387, MedGen C2751778, MONDO:0013470, OMIM 613863.

Submission:

Labcorp Genetics (formerly Invitae), Labcorp
Classification: Uncertain significance for Neuropathy, hereditary sensory and autonomic, type 2A; Generalized epilepsy with febrile seizures plus, type 7. Last evaluated: 2025-11-24. Review status: criteria provided, single submitter. Criteria: Invitae Variant Classification Sherloc (09022015). Collection method: clinical testing. Allele origin: germline.
Comment: This sequence change falls in intron 25 of the SCN9A gene. It does not directly change the encoded amino acid sequence of the SCN9A protein. This variant is not present in population databases (gnomAD no frequency). This variant has not been reported in the literature in individuals affected with SCN9A-related conditions. ClinVar contains an entry for this variant (Variation ID: 2948522). Experimental studies and prediction algorithms are not available or were not evaluated, and the effect of this variant on mRNA splicing is currently unknown. In summary, the available evidence is currently insufficient to determine the role of this variant in disease. Therefore, it has been classified as a Variant of Uncertain Significance.